The following is an entry in ClinVar:

ClinVar aggregate classification (germline): Pathogenic (1 of 4 stars; one submission).

Conditions:
Hengel-Maroofian-Schols syndrome. Also called: NEURODEVELOPMENTAL DISORDER WITH SPASTICITY, FACIAL DYSMORPHISM, AND BRAIN ABNORMALITIES; Global developmental delay-intellectual disability-microcephaly-short stature-brain iron accumulation syndrome. Identifiers: Orphanet 697067, MedGen C5562032, MONDO:0859208, OMIM 619641.

Allele frequency attached by ClinVar (database versions not stated): gnomAD exomes below 0.00001.
gnomAD v4.1: 4 of 1,614,046 alleles (0.00025%); highest among the groups gnomAD compares: Non-Finnish European, 0.00025%; no homozygotes.

Submission:

3billion
Classification: Pathogenic for Hengel-Maroofian-Schols syndrome. Last evaluated: 2022-05-22. Review status: criteria provided, single submitter. Criteria: ACMG Guidelines, 2015. Collection method: clinical testing. Allele origin: germline. Affected: yes. Observed: 1 homozygote.
Comment: The variant is observed at an extremely low frequency in the gnomAD v2.1.1 dataset (total allele frequency: <0.001%). Stop-gained (nonsense): predicted to result in a loss or disruption of normal protein function through nonsense-mediated decay (NMD) or protein truncation. Multiple pathogenic variants are reported downstream of the variant. Therefore, this variant is classified as pathogenic according to the recommendation of ACMG/AMP guideline.

NM_017679.5(BCAS3):c.1906C>T (p.Arg636Ter)

Genes: BCAS3 (BCAS3 microtubule associated cell migration factor; plus strand), BCAS3-AS1 (BCAS3 antisense RNA 1; minus strand). Cytogenetic location: 17q23.2.
Variant type: single nucleotide variant.
Coding change: c.1906C>T on transcript NM_017679.5 (MANE Select); coding-DNA position 1906, C replaced by T.
Protein change: p.Arg636Ter; replaces arginine 636 with a stop codon.
Molecular consequence: nonsense.
Genome position (GRCh38, 1-based): chr17:61,038,032, C>T. VCF-style: chr17-61038032-C-T. GRCh37 (hg19) VCF-style: chr17-59115393-C-T.
Other names: c.1951C>T, p.Arg651Ter (NM_001099432.3, NM_001330413.2, NM_001353146.2); c.1906C>T, p.Arg636Ter (NM_001320470.3, NM_001330414.2); c.2041C>T, p.Arg681Ter (NM_001353144.2); c.1996C>T, p.Arg666Ter (NM_001353145.2); short protein forms R636*, R651*, R666*, R681*.
Identifiers: ClinVar variation 1687612 (VCV001687612.1), dbSNP rs769939544, ClinGen allele CA400781360.